The following is an entry in ClinVar:

ClinVar aggregate classification (germline): Uncertain significance (1 of 4 stars; one submission).

Conditions:
Danon disease. Also called: ANTOPOL DISEASE; PSEUDOGLYCOGENOSIS II; GSD IIb; LYSOSOMAL GLYCOGEN STORAGE DISEASE WITHOUT ACID MALTASE DEFICIENCY; Glycogen Storage Disease Type IIb. Identifiers: Orphanet 34587, MedGen C0878677, MONDO:0010281, OMIM 300257.

Allele frequency attached by ClinVar (database versions not stated): gnomAD exomes below 0.00001.
gnomAD v4.1: 1 of 1,209,959 alleles (0.000083%); highest among the groups gnomAD compares: South Asian, 0.0018%; no homozygotes.

Submission:

Labcorp Genetics (formerly Invitae), Labcorp
Classification: Uncertain significance for Danon disease. Last evaluated: 2023-08-04. Review status: criteria provided, single submitter. Criteria: Invitae Variant Classification Sherloc (09022015). Collection method: clinical testing. Allele origin: germline.
Comment: This sequence change replaces asparagine, which is neutral and polar, with threonine, which is neutral and polar, at codon 253 of the LAMP2 protein (p.Asn253Thr). This variant is present in population databases (no rsID available, gnomAD 0.005%). This variant has not been reported in the literature in individuals affected with LAMP2-related conditions. ClinVar contains an entry for this variant (Variation ID: 2105350). Advanced modeling of protein sequence and biophysical properties (such as structural, functional, and spatial information, amino acid conservation, physicochemical variation, residue mobility, and thermodynamic stability) performed at Invitae indicates that this missense variant is expected to disrupt LAMP2 protein function. In summary, the available evidence is currently insufficient to determine the role of this variant in disease. Therefore, it has been classified as a Variant of Uncertain Significance.

NM_002294.3(LAMP2):c.758A>C (p.Asn253Thr)

Gene: LAMP2 (lysosome associated membrane protein 2; minus strand). Cytogenetic location: Xq24.
Variant type: single nucleotide variant.
Coding change: c.758A>C on transcript NM_002294.3 (MANE Select); coding-DNA position 758, A replaced by C.
Protein change: p.Asn253Thr; replaces asparagine 253 with threonine.
Molecular consequence: missense variant.
Genome position (GRCh38, 1-based): chrX:120,446,411, T>G on the plus strand (A>C on the coding strand, the complement: LAMP2 is on the minus strand). VCF-style: chrX-120446411-T-G. GRCh37 (hg19) VCF-style: chrX-119580266-T-G.
Other names: c.758A>C, p.Asn253Thr (NM_001122606.1, NM_013995.2); short protein forms N253T.
Identifiers: ClinVar variation 2105350 (VCV002105350.4), dbSNP rs1439172573, ClinGen allele CA414401051.